The following is an entry in ClinVar:

ClinVar aggregate classification (germline): Uncertain significance (1 of 4 stars; one submission).

Submission:

Labcorp Genetics (formerly Invitae), Labcorp
Classification: Uncertain significance. Last evaluated: 2025-09-24. Review status: criteria provided, single submitter. Criteria: Invitae Variant Classification Sherloc (09022015). Collection method: clinical testing. Allele origin: germline.
Comment: This sequence change replaces histidine, which is basic and polar, with leucine, which is neutral and non-polar, at codon 1505 of the NSD1 protein (p.His1505Leu). This variant is not present in population databases (gnomAD no frequency). This variant has not been reported in the literature in individuals affected with NSD1-related conditions. Invitae Evidence Modeling of protein sequence and biophysical properties (such as structural, functional, and spatial information, amino acid conservation, physicochemical variation, residue mobility, and thermodynamic stability) has been performed for this missense variant. However, the output from this modeling did not meet the statistical confidence thresholds required to predict the impact of this variant on NSD1 protein function. In summary, the available evidence is currently insufficient to determine the role of this variant in disease. Therefore, it has been classified as a Variant of Uncertain Significance.

NM_022455.5(NSD1):c.4514A>T (p.His1505Leu)

Gene: NSD1 (nuclear receptor binding SET domain protein 1; plus strand). Cytogenetic location: 5q35.3.
Variant type: single nucleotide variant.
Coding change: c.4514A>T on transcript NM_022455.5 (MANE Select); coding-DNA position 4514, A replaced by T.
Protein change: p.His1505Leu; replaces histidine 1505 with leucine.
Molecular consequence: missense variant.
Genome position (GRCh38, 1-based): chr5:177,248,197, A>T. VCF-style: chr5-177248197-A-T. GRCh37 (hg19) VCF-style: chr5-176675198-A-T.
Other names: c.3641A>T, p.His1214Leu (NM_001365684.2, NM_001409306.1, NM_001409307.1 and 3 more transcripts); c.4514A>T, p.His1505Leu (NM_001409301.1, NM_001409302.1, NM_001409303.1); c.4094A>T, p.His1365Leu (NM_001409304.1); c.3761A>T, p.His1254Leu (NM_001409305.1); short protein forms H1254L, H1214L, H1365L, H1505L.
Identifiers: ClinVar variation 4746535 (VCV004746535.1).